The following is an entry in ClinVar:

ClinVar aggregate classification (germline): Uncertain significance (1 of 4 stars; one submission).

Conditions:
SCAPER-related disorder. Also called: SCAPER-related condition.

Submission:

PreventionGenetics, part of Exact Sciences
Classification: Uncertain significance for SCAPER-related condition. Last evaluated: 2025-01-08. Review status: criteria provided, single submitter. Criteria: ACMG Guidelines, 2015. Collection method: clinical testing. Allele origin: germline.
Comment: The SCAPER c.556C>T variant is predicted to result in the amino acid substitution p.Pro186Ser. To our knowledge, this variant has not been reported in the literature. This variant is reported in 0.0099% of alleles in individuals of Ashkenazi Jewish descent in gnomAD. At this time, the clinical significance of this variant is uncertain due to the absence of conclusive functional and genetic evidence.

NM_020843.4(SCAPER):c.556C>T (p.Pro186Ser)

Gene: SCAPER (S-phase cyclin A associated protein in the ER; minus strand). Cytogenetic location: 15q24.3.
Variant type: single nucleotide variant.
Coding change: c.556C>T on transcript NM_020843.4 (MANE Select); coding-DNA position 556, C replaced by T.
Protein change: p.Pro186Ser; replaces proline 186 with serine.
Molecular consequence: missense variant. On other transcripts: 5 prime UTR variant (1), non-coding transcript variant (1).
Genome position (GRCh38, 1-based): chr15:76,800,303, G>A on the plus strand (C>T on the coding strand, the complement: SCAPER is on the minus strand). VCF-style: chr15-76800303-G-A. GRCh37 (hg19) VCF-style: chr15-77092644-G-A.
Other names: c.-342C>T (NM_001145923.2); c.556C>T, p.Pro186Ser (NM_001353009.2); c.154C>T, p.Pro52Ser (NM_001353010.2, NM_001353011.2, NM_001353012.2); short protein forms P186S, P52S.
Identifiers: ClinVar variation 4981899 (VCV004981899.1).